The following is an entry in ClinVar:

ClinVar aggregate classification (germline): Pathogenic (3 of 4 stars; one submission).

Conditions:
Autosomal recessive limb-girdle muscular dystrophy. Identifiers: Orphanet 102015, MedGen C2931907, MONDO:0015152.

Submission:

ClinGen Limb Girdle Muscular Dystrophy Variant Curation Expert Panel, ClinGen
Classification: Pathogenic for Autosomal recessive limb-girdle muscular dystrophy. Last evaluated: 2025-08-26. Review status: reviewed by expert panel. Criteria: ClinGen LGMD VCEP ACMG Specifications DYSF V1.0.0. Collection method: curation. Allele origin: germline. Inheritance: Autosomal recessive inheritance.
Comment: The NM_003494.4: c.3031G>C variant in DYSF, which is also known as NM_001130987.2: c.3085G>C p.(Gly1029Arg), is a missense variant predicted to cause substitution of glycine by arginine at amino acid 1011, p.(Gly1011Arg). This variant affects the last nucleotide of exon 28, and RNAseq analysis has demonstrated two different splice effects: inclusion of intron 28 and skipping of exon 28. Both of these events result in a frameshift and premature truncation for which nonsense mediated decay is expected; however, the possibility of retention of some degree of constitutive splicing was not ruled out (PVS1_Strong_RNA). This variant has been observed in unknown phase with a pathogenic variant in one patient with features consistent with LGMD (NM_003494.4: c.855+1del, 0.5 pts, PMID: 36983702; PM3_Supporting). This patient had a clinical diagnosis of LGMD and absent dysferlin protein expression by immunohistochemistry and western blot of skeletal muscle (PMID: 36983702, 33610434; PP4_Strong). This variant is absent from gnomAD v4.1.0 (PM2_Supporting). In summary, this variant meets the criteria to be classified as Pathogenic for autosomal recessive limb girdle muscular dystrophy based on the ACMG/AMP criteria applied, as specified by the ClinGen LGMD VCEP (LGMD VCEP specifications version 1.0.0; 08/26/2025): PVS1_Strong_RNA, PM3_Supporting, PP4_Strong, PM2_Supporting.

NM_001130987.2(DYSF):c.3085G>C (p.Gly1029Arg)

Gene: DYSF (dysferlin; plus strand). Cytogenetic location: 2p13.2.
Variant type: single nucleotide variant.
Coding change: c.3085G>C on transcript NM_001130987.2 (MANE Select); coding-DNA position 3085, G replaced by C.
Protein change: p.Gly1029Arg; replaces glycine 1029 with arginine.
Molecular consequence: missense variant.
Genome position (GRCh38, 1-based): chr2:71,570,334, G>C. VCF-style: chr2-71570334-G-C. GRCh37 (hg19) VCF-style: chr2-71797464-G-C.
Other names: NM_003494.4:c.3031G>C; c.3034G>C, p.Gly1012Arg (NM_001130455.2, NM_001130983.2); c.2989G>C, p.Gly997Arg (NM_001130976.2, NM_001130977.2); c.3031G>C, p.Gly1011Arg (NM_001130978.2, NM_003494.4); c.3124G>C, p.Gly1042Arg (NM_001130979.2); c.3082G>C, p.Gly1028Arg (NM_001130980.2, NM_001130981.2); c.3127G>C, p.Gly1043Arg (NM_001130982.2); c.2992G>C, p.Gly998Arg (NM_001130984.2, NM_001130986.2); and 1 more; short protein forms G1011R, G1012R, G1028R, G1029R, G1042R, G1043R, G997R, G998R.
Identifiers: ClinVar variation 4528887 (VCV004528887.1).